The following is an entry in ClinVar:

ClinVar aggregate classification (germline): Benign/Likely benign. Review status: criteria provided, multiple submitters, no conflicts (2 of 4 stars). 2 submissions from 2 submitters: Benign (1); Likely benign (1). Last evaluated 2026-06-17.

Conditions:
SORL1-related disorder. Also called: SORL1-related condition.

Allele frequency attached by ClinVar (database versions not stated): 1000 Genomes Project 0.00100; 1000 Genomes Project 30x 0.00125; TOPMed 0.00186; gnomAD 0.00203; ESP Exome Variant Server 0.00231.
gnomAD v4.1: 503 of 1,614,102 alleles (0.031%); highest among the groups gnomAD compares: African/African-American, 0.61%; 1 homozygote.

Submissions (2):

PreventionGenetics, part of Exact Sciences
Classification: Likely benign for SORL1-related condition. Last evaluated: 2026-06-17. Review status: criteria provided, single submitter. Criteria: ACMG Guidelines, 2015. Collection method: clinical testing. Allele origin: germline.
Comment: This variant is classified as likely benign based on ACMG/AMP sequence variant interpretation guidelines (Richards et al. 2015 PMID: 25741868, with internal and published modifications).

Labcorp Genetics (formerly Invitae), Labcorp
Classification: Benign. Last evaluated: 2025-11-06. Review status: criteria provided, single submitter. Criteria: Invitae Variant Classification Sherloc (09022015). Collection method: clinical testing. Allele origin: germline.

NM_003105.6(SORL1):c.5765A>C (p.Tyr1922Ser)

Gene: SORL1 (sortilin related receptor 1; plus strand). Cytogenetic location: 11q24.1.
Variant type: single nucleotide variant.
Coding change: c.5765A>C on transcript NM_003105.6 (MANE Select); coding-DNA position 5765, A replaced by C.
Protein change: p.Tyr1922Ser; replaces tyrosine 1922 with serine.
Molecular consequence: missense variant.
Genome position (GRCh38, 1-based): chr11:121,619,793, A>C. VCF-style: chr11-121619793-A-C. GRCh37 (hg19) VCF-style: chr11-121490502-A-C.
Other names: short protein forms Y1922S.
Identifiers: ClinVar variation 716323 (VCV000716323.10), dbSNP rs140883895, ClinGen allele CA6330061.